The following is an entry in ClinVar:

NM_002354.3(EPCAM):c.323A>G (p.Lys108Arg)

Gene: EPCAM (epithelial cell adhesion molecule; plus strand). Cytogenetic location: 2p21.
Variant type: single nucleotide variant.
Coding change: c.323A>G on transcript NM_002354.3 (MANE Select); coding-DNA position 323, A replaced by G.
Protein change: p.Lys108Arg; replaces lysine 108 with arginine.
Molecular consequence: missense variant.
Genome position (GRCh38, 1-based): chr2:47,373,946, A>G. VCF-style: chr2-47373946-A-G. GRCh37 (hg19) VCF-style: chr2-47601085-A-G.
Other names: short protein forms K108R.
Identifiers: ClinVar variation 3509161 (VCV003509161.1).

ClinVar aggregate classification (germline): Uncertain significance (1 of 4 stars; one submission).

Conditions:
Hereditary cancer-predisposing syndrome. Also called: Tumor predisposition; Neoplastic Syndromes, Hereditary; Hereditary Cancer Syndrome; Hereditary neoplastic syndrome. Identifiers: Orphanet 140162, MedGen C0027672, MeSH D009386, MONDO:0015356.

gnomAD v4.1: 7 of 1,614,148 alleles (0.00043%); highest among the groups gnomAD compares: Non-Finnish European, 0.00059%; no homozygotes.

Submission:

Ambry Genetics
Classification: Uncertain significance for Hereditary cancer-predisposing syndrome. Last evaluated: 2024-09-18. Review status: criteria provided, single submitter. Criteria: Ambry Variant Classification Scheme 2023. Collection method: clinical testing. Allele origin: germline.
Comment: The p.K108R variant (also known as c.323A>G), located in coding exon 3 of the EPCAM gene, results from an A to G substitution at nucleotide position 323. The lysine at codon 108 is replaced by arginine, an amino acid with highly similar properties. This amino acid position is conserved. In addition, this alteration is predicted to be tolerated by in silico analysis. Based on the available evidence, the clinical significance of this variant remains unclear.